The following is an entry in ClinVar:

NM_000137.4(FAH):c.494C>G (p.Ser165Cys)

Gene: FAH (fumarylacetoacetate hydrolase; plus strand). Cytogenetic location: 15q25.1.
Variant type: single nucleotide variant.
Coding change: c.494C>G on transcript NM_000137.4 (MANE Select); coding-DNA position 494, C replaced by G.
Protein change: p.Ser165Cys; replaces serine 165 with cysteine.
Molecular consequence: missense variant.
Genome position (GRCh38, 1-based): chr15:80,168,090, C>G. VCF-style: chr15-80168090-C-G. GRCh37 (hg19) VCF-style: chr15-80460432-C-G.
Other names: c.494C>G, p.Ser165Cys (NM_001374377.1, NM_001374380.1); short protein forms S165C.
Identifiers: ClinVar variation 1440957 (VCV001440957.6), dbSNP rs2142097922, ClinGen allele CA393619841.

ClinVar aggregate classification (germline): Uncertain significance (1 of 4 stars; one submission).

Conditions:
Tyrosinemia type I (TYRSN1). Also called: FAH DEFICIENCY; HEPATORENAL TYROSINEMIA; Tyrosinemia type 1; Fumarylacetoacetase deficiency; Deficiency of fumarylacetoacetase. Identifiers: Orphanet 882, MedGen C0268490, MONDO:0010161, OMIM 276700. Disease mechanism: loss of function.

Submission:

Labcorp Genetics (formerly Invitae), Labcorp
Classification: Uncertain significance for Tyrosinemia type I. Last evaluated: 2023-10-04. Review status: criteria provided, single submitter. Criteria: Invitae Variant Classification Sherloc (09022015). Collection method: clinical testing. Allele origin: germline.
Comment: This sequence change replaces serine, which is neutral and polar, with cysteine, which is neutral and slightly polar, at codon 165 of the FAH protein (p.Ser165Cys). This variant is not present in population databases (gnomAD no frequency). This variant has not been reported in the literature in individuals affected with FAH-related conditions. ClinVar contains an entry for this variant (Variation ID: 1440957). Advanced modeling of protein sequence and biophysical properties (such as structural, functional, and spatial information, amino acid conservation, physicochemical variation, residue mobility, and thermodynamic stability) performed at Invitae indicates that this missense variant is expected to disrupt FAH protein function. In summary, the available evidence is currently insufficient to determine the role of this variant in disease. Therefore, it has been classified as a Variant of Uncertain Significance.